The following is an entry in ClinVar:

ClinVar aggregate classification (germline): Uncertain significance (1 of 4 stars; one submission).

Submission:

GeneDx
Classification: Uncertain significance. Last evaluated: 2024-02-12. Review status: criteria provided, single submitter. Criteria: GeneDx Variant Classification Process June 2021. Collection method: clinical testing. Allele origin: germline. Affected: yes.
Comment: Not observed at significant frequency in large population cohorts (gnomAD); In silico analysis supports that this missense variant has a deleterious effect on protein structure/function; Has not been previously published as pathogenic or benign to our knowledge

NM_032217.5(ANKRD17):c.5624C>T (p.Pro1875Leu)

Gene: ANKRD17 (ankyrin repeat domain 17; minus strand). Cytogenetic location: 4q13.3.
Variant type: single nucleotide variant.
Coding change: c.5624C>T on transcript NM_032217.5 (MANE Select); coding-DNA position 5624, C replaced by T.
Protein change: p.Pro1875Leu; replaces proline 1875 with leucine.
Molecular consequence: missense variant.
Genome position (GRCh38, 1-based): chr4:73,092,004, G>A on the plus strand (C>T on the coding strand, the complement: ANKRD17 is on the minus strand). VCF-style: chr4-73092004-G-A. GRCh37 (hg19) VCF-style: chr4-73957721-G-A.
Other names: c.5285C>T, p.Pro1762Leu (NM_001286771.3); c.5621C>T, p.Pro1874Leu (NM_015574.2); c.4871C>T, p.Pro1624Leu (NM_198889.3); short protein forms P1624L, P1762L, P1874L, P1875L.
Identifiers: ClinVar variation 3369160 (VCV003369160.1).